The following is an entry in ClinVar:

ClinVar aggregate classification (germline): Uncertain significance. Review status: criteria provided, multiple submitters, no conflicts (2 of 4 stars). 2 submissions from 2 submitters: Uncertain significance (2). Last evaluated 2022-10-24.

Submissions (2):

Labcorp Genetics (formerly Invitae), Labcorp
Classification: Uncertain significance. Last evaluated: 2022-10-24. Review status: criteria provided, single submitter. Criteria: Invitae Variant Classification Sherloc (09022015). Collection method: clinical testing. Allele origin: germline.
Comment: This sequence change replaces lysine, which is basic and polar, with glutamic acid, which is acidic and polar, at codon 148 of the PRPF31 protein (p.Lys148Glu). This variant is not present in population databases (gnomAD no frequency). This variant has not been reported in the literature in individuals affected with PRPF31-related conditions. ClinVar contains an entry for this variant (Variation ID: 1394273). Algorithms developed to predict the effect of missense changes on protein structure and function (SIFT, PolyPhen-2, Align-GVGD) all suggest that this variant is likely to be tolerated. In summary, the available evidence is currently insufficient to determine the role of this variant in disease. Therefore, it has been classified as a Variant of Uncertain Significance.

Blueprint Genetics
Classification: Uncertain significance. Last evaluated: 2019-11-06. Review status: criteria provided, single submitter. Criteria: ACMG Guidelines, 2015. Collection method: clinical testing. Allele origin: germline.

NM_015629.4(PRPF31):c.442A>G (p.Lys148Glu)

Gene: PRPF31 (pre-mRNA processing factor 31; plus strand). Cytogenetic location: 19q13.42.
Variant type: single nucleotide variant.
Coding change: c.442A>G on transcript NM_015629.4 (MANE Select); coding-DNA position 442, A replaced by G.
Protein change: p.Lys148Glu; replaces lysine 148 with glutamic acid.
Molecular consequence: missense variant.
Genome position (GRCh38, 1-based): chr19:54,123,475, A>G. VCF-style: chr19-54123475-A-G. GRCh37 (hg19) VCF-style: chr19-54626854-A-G.
Other names: short protein forms K148E.
Identifiers: ClinVar variation 1394273 (VCV001394273.9), dbSNP rs2146418658, ClinGen allele CA407750217.
Genomic context (GRCh38, chr19:54,123,475, plus strand): 5'-AGTTCCCGAGCCTCCCCTATCTTCTCTGCTCGCCCCCAGGAGCTGGGCAACAGCCTGGAC[A>G]AGTGCAAGAACAATGAGAACCTGCAGCAGATCCTCACCAATGCCACCATCATGGTCGTCA-3'
Protein context (NP_056444.3, residues 138-158): TVKELGNSLD[Lys148Glu]CKNNENLQQI